The following is an entry in ClinVar:

NM_004700.4(KCNQ4):c.1472T>A (p.Phe491Tyr)

Gene: KCNQ4 (potassium voltage-gated channel subfamily Q member 4; plus strand). Cytogenetic location: 1p34.2.
Variant type: single nucleotide variant.
Coding change: c.1472T>A on transcript NM_004700.4 (MANE Select); coding-DNA position 1472, T replaced by A.
Protein change: p.Phe491Tyr; replaces phenylalanine 491 with tyrosine.
Molecular consequence: missense variant.
Genome position (GRCh38, 1-based): chr1:40,831,263, T>A. VCF-style: chr1-40831263-T-A. GRCh37 (hg19) VCF-style: chr1-41296935-T-A.
Other names: c.1310T>A, p.Phe437Tyr (NM_172163.3); short protein forms F437Y, F491Y.
Identifiers: ClinVar variation 1434509 (VCV001434509.8), dbSNP rs1169633047, ClinGen allele CA339886860.

ClinVar aggregate classification (germline): Uncertain significance (1 of 4 stars; one submission).

Allele frequency attached by ClinVar (database versions not stated): gnomAD exomes below 0.00001.
gnomAD v4.1: 1 of 1,606,666 alleles (0.000062%); highest among the groups gnomAD compares: Admixed American, 0.0017%; no homozygotes.

Submission:

Labcorp Genetics (formerly Invitae), Labcorp
Classification: Uncertain significance. Last evaluated: 2021-06-20. Review status: criteria provided, single submitter. Criteria: Invitae Variant Classification Sherloc (09022015). Collection method: clinical testing. Allele origin: germline.
Comment: This variant has not been reported in the literature in individuals with KCNQ4-related conditions. In summary, the available evidence is currently insufficient to determine the role of this variant in disease. Therefore, it has been classified as a Variant of Uncertain Significance. Algorithms developed to predict the effect of missense changes on protein structure and function are either unavailable or do not agree on the potential impact of this missense change (SIFT: "Tolerated"; PolyPhen-2: "Possibly Damaging"; Align-GVGD: "Class C0"). This variant is not present in population databases (ExAC no frequency). This sequence change replaces phenylalanine with tyrosine at codon 491 of the KCNQ4 protein (p.Phe491Tyr). The phenylalanine residue is moderately conserved and there is a small physicochemical difference between phenylalanine and tyrosine.